The following is an entry in ClinVar:

ClinVar aggregate classification (germline): Benign/Likely benign. Review status: criteria provided, multiple submitters, no conflicts (2 of 4 stars). 3 submissions from 3 submitters: Benign (1); Likely benign (2). Last evaluated 2024-12-19.

Conditions:
Hereditary nonpolyposis colorectal neoplasms. Identifiers: MedGen C0009405, MeSH D003123.
Hereditary cancer-predisposing syndrome. Also called: Neoplastic Syndromes, Hereditary; Tumor predisposition; Hereditary Cancer Syndrome; Hereditary neoplastic syndrome. Identifiers: Orphanet 140162, MedGen C0027672, MeSH D009386, MONDO:0015356.
Lynch syndrome 5 (LYNCH5). Also called: Hereditary non-polyposis colorectal cancer, type 5; Colorectal cancer, hereditary nonpolyposis, type 5. Identifiers: Orphanet 144, MedGen C1833477, MONDO:0013710, OMIM 614350. Disease mechanism: loss of function.

Submissions (3):

Myriad Genetics, Inc.
Classification: Benign for Lynch syndrome 5. Last evaluated: 2024-12-19. Review status: criteria provided, single submitter. Criteria: Myriad Autosomal Dominant, Autosomal Recessive and X-Linked Classification Criteria (2023). Collection method: clinical testing. Allele origin: unknown.
Comment: This variant is considered benign. This variant is a silent/synonymous amino acid change and it is not expected to impact splicing.

Labcorp Genetics (formerly Invitae), Labcorp
Classification: Likely benign for Hereditary nonpolyposis colorectal neoplasms. Last evaluated: 2024-02-08. Review status: criteria provided, single submitter. Criteria: Invitae Variant Classification Sherloc (09022015). Collection method: clinical testing. Allele origin: germline.

Ambry Genetics
Classification: Likely benign for Hereditary cancer-predisposing syndrome. Last evaluated: 2022-01-27. Review status: criteria provided, single submitter. Criteria: Ambry Variant Classification Scheme 2023. Collection method: clinical testing. Allele origin: germline.

NM_000179.3(MSH6):c.639T>G (p.Thr213=)

Gene: MSH6 (mutS homolog 6; plus strand). Cytogenetic location: 2p16.3.
Variant type: single nucleotide variant.
Coding change: c.639T>G on transcript NM_000179.3 (MANE Select); coding-DNA position 639, T replaced by G.
Protein change: p.Thr213=; no amino-acid change (threonine 213 retained).
Molecular consequence: synonymous variant. On other transcripts: 5 prime UTR variant (9), non-coding transcript variant (4), intron variant (1).
Genome position (GRCh38, 1-based): chr2:47,798,622, T>G. VCF-style: chr2-47798622-T-G. GRCh37 (hg19) VCF-style: chr2-48025761-T-G.
Other names: c.249T>G, p.Thr83= (NM_001281492.2); c.-268T>G (NM_001281493.2, NM_001281494.2, NM_001406811.1 and 6 more transcripts); c.735T>G, p.Thr245= (NM_001406795.1, NM_001406802.1); c.639T>G, p.Thr213= (NM_001406796.1, NM_001406798.1, NM_001406800.1 and 4 more transcripts); c.342T>G, p.Thr114= (NM_001406797.1, NM_001406801.1, NM_001406805.1 and 10 more transcripts); c.114T>G, p.Thr38= (NM_001406799.1, NM_001406806.1, NM_001406807.1); c.561T>G, p.Thr187= (NM_001406804.1); c.645T>G, p.Thr215= (NM_001406813.1); and 2 more.
Identifiers: ClinVar variation 1753290 (VCV001753290.6), dbSNP rs2104287774, ClinGen allele CA425995780.